The following is an entry in ClinVar:

ClinVar aggregate classification (germline): Uncertain significance (1 of 4 stars; one submission).

gnomAD v4.1: 3 of 1,600,744 alleles (0.00019%); highest among the groups gnomAD compares: Admixed American, 0.005%; no homozygotes.

Submission:

Labcorp Genetics (formerly Invitae), Labcorp
Classification: Uncertain significance. Last evaluated: 2022-04-26. Review status: criteria provided, single submitter. Criteria: Invitae Variant Classification Sherloc (09022015). Collection method: clinical testing. Allele origin: germline.
Comment: This sequence change replaces glutamic acid, which is acidic and polar, with glycine, which is neutral and non-polar, at codon 1184 of the ADAMTS18 protein (p.Glu1184Gly). This variant is not present in population databases (gnomAD no frequency). In summary, the available evidence is currently insufficient to determine the role of this variant in disease. Therefore, it has been classified as a Variant of Uncertain Significance. Algorithms developed to predict the effect of sequence changes on RNA splicing suggest that this variant may disrupt the consensus splice site. Algorithms developed to predict the effect of missense changes on protein structure and function are either unavailable or do not agree on the potential impact of this missense change (SIFT: "Not Available"; PolyPhen-2: "Benign"; Align-GVGD: "Not Available"). This variant has not been reported in the literature in individuals affected with ADAMTS18-related conditions.

NM_199355.4(ADAMTS18):c.3551A>G (p.Glu1184Gly)

Gene: ADAMTS18 (ADAM metallopeptidase with thrombospondin type 1 motif 18; minus strand). Cytogenetic location: 16q23.1.
Variant type: single nucleotide variant.
Coding change: c.3551A>G on transcript NM_199355.4 (MANE Select); coding-DNA position 3551, A replaced by G.
Protein change: p.Glu1184Gly; replaces glutamic acid 1184 with glycine.
Molecular consequence: missense variant.
Genome position (GRCh38, 1-based): chr16:77,284,071, T>C on the plus strand (A>G on the coding strand, the complement: ADAMTS18 is on the minus strand). VCF-style: chr16-77284071-T-C. GRCh37 (hg19) VCF-style: chr16-77317968-T-C.
Other names: c.3035A>G, p.Glu1012Gly (NM_001326358.2); short protein forms E1012G, E1184G.
Identifiers: ClinVar variation 1380730 (VCV001380730.6), dbSNP rs1482280145, ClinGen allele CA396829852.
Genomic context (GRCh38, chr16:77,284,071, plus strand): 5'-CAGACACCATGCTGAGGAACTAGGTGACACCAGTTGAAGAAATCTACGCAGGATGGATCC[T>C]CTAAAATAAGAAAATATATTTAGCATGTTGGCTAGGGTGTCTATCCTTTTTCTTTTTTTT-3'
Protein context (NP_955387.1, residues 1174-1194): TNFCPAPEKR[Glu1184Gly]DPSCVDFFNW